The following is an entry in ClinVar:

ClinVar aggregate classification (germline): Uncertain significance (1 of 4 stars; one submission).

Conditions:
RASopathy. Also called: rasopathies; Noonan spectrum disorder. Identifiers: Orphanet 536391, MedGen C5555857, MONDO:0021060.

Submission:

Labcorp Genetics (formerly Invitae), Labcorp
Classification: Uncertain significance for RASopathy. Last evaluated: 2024-01-08. Review status: criteria provided, single submitter. Criteria: Invitae Variant Classification Sherloc (09022015). Collection method: clinical testing. Allele origin: germline.
Comment: This sequence change affects codon 27 of the MAP2K1 mRNA. It is a 'silent' change, meaning that it does not change the encoded amino acid sequence of the MAP2K1 protein. It affects a nucleotide within the consensus splice site. This variant is not present in population databases (gnomAD no frequency). This variant has not been reported in the literature in individuals affected with MAP2K1-related conditions. Algorithms developed to predict the effect of sequence changes on RNA splicing suggest that this variant is not likely to affect RNA splicing. In summary, the available evidence is currently insufficient to determine the role of this variant in disease. Therefore, it has been classified as a Variant of Uncertain Significance.

NM_002755.4(MAP2K1):c.81G>A (p.Glu27=)

Gene: MAP2K1 (mitogen-activated protein kinase kinase 1; plus strand). Cytogenetic location: 15q22.31.
Variant type: single nucleotide variant.
Coding change: c.81G>A on transcript NM_002755.4 (MANE Select); coding-DNA position 81, G replaced by A.
Protein change: p.Glu27=; no amino-acid change (glutamic acid 27 retained).
Molecular consequence: synonymous variant.
Genome position (GRCh38, 1-based): chr15:66,435,027, G>A. VCF-style: chr15-66435027-G-A. GRCh37 (hg19) VCF-style: chr15-66727365-G-A.
Other names: c.15G>A, p.Arg5= (NM_001411065.1).
Identifiers: ClinVar variation 2708327 (VCV002708327.3), dbSNP rs2140578322, ClinGen allele CA490855883.